The following is an entry in ClinVar:

ClinVar aggregate classification (germline): Uncertain significance (1 of 4 stars; one submission).

gnomAD v4.1: 2 of 1,605,748 alleles (0.00012%); highest among the groups gnomAD compares: East Asian, 0.0022%; no homozygotes.

Submission:

Labcorp Genetics (formerly Invitae), Labcorp
Classification: Uncertain significance. Last evaluated: 2025-12-23. Review status: criteria provided, single submitter. Criteria: Invitae Variant Classification Sherloc (09022015). Collection method: clinical testing. Allele origin: germline.
Comment: This sequence change replaces proline, which is neutral and non-polar, with arginine, which is basic and polar, at codon 244 of the MKL1 protein (p.Pro244Arg). This variant is present in population databases (no rsID available, gnomAD 0.0009%). This variant has not been reported in the literature in individuals affected with MKL1-related conditions. An algorithm developed to predict the effect of missense changes on protein structure and function (PolyPhen-2) suggests that this variant is likely to be disruptive. In summary, the available evidence is currently insufficient to determine the role of this variant in disease. Therefore, it has been classified as a Variant of Uncertain Significance.

NM_020831.6(MRTFA):c.1031C>G (p.Pro344Arg)

Gene: MRTFA (myocardin related transcription factor A; minus strand). Cytogenetic location: 22q13.1.
Variant type: single nucleotide variant.
Coding change: c.1031C>G on transcript NM_020831.6 (MANE Select); coding-DNA position 1031, C replaced by G.
Protein change: p.Pro344Arg; replaces proline 344 with arginine.
Molecular consequence: missense variant.
Genome position (GRCh38, 1-based): chr22:40,420,997, G>C on the plus strand (C>G on the coding strand, the complement: MRTFA is on the minus strand). VCF-style: chr22-40420997-G-C. GRCh37 (hg19) VCF-style: chr22-40817001-G-C.
Other names: c.731C>G, p.Pro244Arg (NM_001282660.2); c.881C>G, p.Pro294Arg (NM_001282661.3); c.1031C>G, p.Pro344Arg (NM_001282662.3); c.836C>G, p.Pro279Arg (NM_001318139.2); short protein forms P294R, P244R, P344R, P279R.
Identifiers: ClinVar variation 4699740 (VCV004699740.1).